The following is an entry in ClinVar:

ClinVar aggregate classification (germline): Pathogenic (0 of 4 stars; one submission).

Conditions:
Fanconi anemia complementation group A (FANCA). Also called: Fanconi anemia, group A; FANCA-Related Fanconi Anemia. Identifiers: Orphanet 84, MedGen C3469521, MONDO:0009215, OMIM 227650.

Allele frequency attached by ClinVar (database versions not stated): TOPMed below 0.00001.
gnomAD v4.1: 3 of 1,610,434 alleles (0.00019%); highest among the groups gnomAD compares: Non-Finnish European, 0.00025%; no homozygotes.

Submission:

Leiden Open Variation Database
Classification: Pathogenic for Fanconi anemia complementation group A. Last evaluated: 2020-02-28. Review status: no assertion criteria provided. Collection method: curation. Allele origin: germline. Affected: yes.
Comment: Curator: Arleen D. Auerbach. Submitter to LOVD: Arleen D. Auerbach.

NM_000135.4(FANCA):c.2513C>G (p.Thr838Arg)

Gene: FANCA (FA complementation group A; minus strand). Cytogenetic location: 16q24.3.
Variant type: single nucleotide variant.
Coding change: c.2513C>G on transcript NM_000135.4 (MANE Select); coding-DNA position 2513, C replaced by G.
Protein change: p.Thr838Arg; replaces threonine 838 with arginine.
Molecular consequence: missense variant.
Genome position (GRCh38, 1-based): chr16:89,767,229, G>C on the plus strand (C>G on the coding strand, the complement: FANCA is on the minus strand). VCF-style: chr16-89767229-G-C. GRCh37 (hg19) VCF-style: chr16-89833637-G-C.
Other names: c.2513C>G, p.Thr838Arg (NM_001286167.3); short protein forms T838R.
Identifiers: ClinVar variation 974142 (VCV000974142.1), dbSNP rs1216922486, ClinGen allele CA397440895.